The following is an entry in ClinVar:

NM_001211.6(BUB1B):c.250T>C (p.Trp84Arg)

Gene: BUB1B (BUB1 mitotic checkpoint serine/threonine kinase B; plus strand). Cytogenetic location: 15q15.1.
Variant type: single nucleotide variant.
Coding change: c.250T>C on transcript NM_001211.6 (MANE Select); coding-DNA position 250, T replaced by C.
Protein change: p.Trp84Arg; replaces tryptophan 84 with arginine.
Molecular consequence: missense variant.
Genome position (GRCh38, 1-based): chr15:40,170,547, T>C. VCF-style: chr15-40170547-T-C. GRCh37 (hg19) VCF-style: chr15-40462748-T-C.
Other names: short protein forms W84R.
Identifiers: ClinVar variation 4216967 (VCV004216967.1).

ClinVar aggregate classification (germline): Uncertain significance (1 of 4 stars; one submission).

Conditions:
Inborn genetic diseases. Identifiers: MedGen C0950123, MeSH D030342.

Submission:

Ambry Genetics
Classification: Uncertain significance for Inborn genetic diseases. Last evaluated: 2025-08-24. Review status: criteria provided, single submitter. Criteria: Ambry Variant Classification Scheme 2023. Collection method: clinical testing. Allele origin: germline.
Comment: The p.W84R variant (also known as c.250T>C), located in coding exon 4 of the BUB1B gene, results from a T to C substitution at nucleotide position 250. The tryptophan at codon 84 is replaced by arginine, an amino acid with dissimilar properties. This amino acid position is conserved. In addition, this alteration is predicted to be deleterious by in silico analysis. Based on the available evidence, the clinical significance of this variant remains unclear.